The following is an entry in ClinVar:

ClinVar aggregate classification (germline): Uncertain significance. Review status: criteria provided, multiple submitters, no conflicts (2 of 4 stars). 3 submissions from 3 submitters: Uncertain significance (3). Last evaluated 2025-10-07.

Conditions:
RASopathy. Also called: rasopathies; Noonan spectrum disorder. Identifiers: Orphanet 536391, MedGen C5555857, MONDO:0021060.

Submissions (3):

Labcorp Genetics (formerly Invitae), Labcorp
Classification: Uncertain significance for RASopathy. Last evaluated: 2025-10-07. Review status: criteria provided, single submitter. Criteria: Invitae Variant Classification Sherloc (09022015). Collection method: clinical testing. Allele origin: germline.
Comment: This sequence change replaces aspartic acid, which is acidic and polar, with tyrosine, which is neutral and polar, at codon 520 of the SOS1 protein (p.Asp520Tyr). This variant is not present in population databases (gnomAD no frequency). This variant has not been reported in the literature in individuals affected with SOS1-related conditions. ClinVar contains an entry for this variant (Variation ID: 561968). Invitae Evidence Modeling of protein sequence and biophysical properties (such as structural, functional, and spatial information, amino acid conservation, physicochemical variation, residue mobility, and thermodynamic stability) indicates that this missense variant is expected to disrupt SOS1 protein function with a positive predictive value of 95%. In summary, the available evidence is currently insufficient to determine the role of this variant in disease. Therefore, it has been classified as a Variant of Uncertain Significance.

CeGaT Center for Human Genetics Tuebingen
Classification: Uncertain significance. Last evaluated: 2023-02-01. Review status: criteria provided, single submitter. Criteria: CeGaT Center For Human Genetics Tuebingen Variant Classification Criteria Version 2. Collection method: clinical testing. Allele origin: germline. Affected: yes. Observed: 1 variant allele.
Comment: SOS1: PM2

GeneDx
Classification: Uncertain significance. Last evaluated: 2018-08-15. Review status: criteria provided, single submitter. Criteria: GeneDx Variant Classification (06012015). Collection method: clinical testing. Allele origin: germline. Affected: yes.
Comment: The D520Y variant has not been published as pathogenic or been reported as benign to our knowledge. This variant is not observed in large population cohorts (Lek et al., 2016). The D520Y variant is a non-conservative amino acid substitution, which is likely to impact secondary protein structure as these residues differ in polarity, charge, size and/or other properties. In addition, in-silico analyses, including protein predictors and evolutionary conservation, support a deleterious effect. Nonetheless, additional evidence is needed to clarify pathogenicity, including observation in a significant number of affected individuals, segregation data, and functional evidence.

NM_005633.4(SOS1):c.1558G>T (p.Asp520Tyr)

Gene: SOS1 (SOS Ras/Rac guanine nucleotide exchange factor 1; minus strand). Cytogenetic location: 2p22.1.
Variant type: single nucleotide variant.
Coding change: c.1558G>T on transcript NM_005633.4 (MANE Select); coding-DNA position 1558, G replaced by T.
Protein change: p.Asp520Tyr; replaces aspartic acid 520 with tyrosine.
Molecular consequence: missense variant.
Genome position (GRCh38, 1-based): chr2:39,022,870, C>A on the plus strand (G>T on the coding strand, the complement: SOS1 is on the minus strand). VCF-style: chr2-39022870-C-A. GRCh37 (hg19) VCF-style: chr2-39250011-C-A.
Other names: c.1537G>T, p.Asp513Tyr (NM_001382394.1); c.1558G>T, p.Asp520Tyr (NM_001382395.1); short protein forms D520Y, D513Y.
Identifiers: ClinVar variation 561968 (VCV000561968.28), dbSNP rs754115060, ClinGen allele CA346365895.